The following is an entry in ClinVar:

NM_004817.4(TJP2):c.637C>T (p.Arg213Ter)

Gene: TJP2 (tight junction protein 2; plus strand). Cytogenetic location: 9q21.11.
Variant type: single nucleotide variant.
Coding change: c.637C>T on transcript NM_004817.4 (MANE Select); coding-DNA position 637, C replaced by T.
Protein change: p.Arg213Ter; replaces arginine 213 with a stop codon.
Molecular consequence: nonsense.
Genome position (GRCh38, 1-based): chr9:69,221,181, C>T. VCF-style: chr9-69221181-C-T. GRCh37 (hg19) VCF-style: chr9-71836097-C-T.
Other names: c.637C>T, p.Arg213Ter (NM_001369872.1, NM_001369873.1, NM_201629.3); c.649C>T, p.Arg217Ter (NM_001369874.1, NM_001369875.1, NM_001170415.1); c.568C>T, p.Arg190Ter (NM_001170414.2, NM_001369870.1, NM_001369871.1); c.730C>T, p.Arg244Ter (NM_001170416.2); short protein forms R213*, R217*, R244*, R190*.
Identifiers: ClinVar variation 2982875 (VCV002982875.3), dbSNP rs1021859282, ClinGen allele CA193353337.

ClinVar aggregate classification (germline): Pathogenic (1 of 4 stars; one submission).

Allele frequency attached by ClinVar (database versions not stated): gnomAD 0.00002; TOPMed 0.00001.
gnomAD v4.1: 8 of 1,598,846 alleles (0.0005%); highest among the groups gnomAD compares: East Asian, 0.0023%; no homozygotes.

Submission:

Labcorp Genetics (formerly Invitae), Labcorp
Classification: Pathogenic. Last evaluated: 2025-10-06. Review status: criteria provided, single submitter. Criteria: Invitae Variant Classification Sherloc (09022015). Collection method: clinical testing. Allele origin: germline.
Comment: This sequence change creates a premature translational stop signal (p.Arg213*) in the TJP2 gene. It is expected to result in an absent or disrupted protein product. Loss-of-function variants in TJP2 are known to be pathogenic (PMID: 24614073, 25921221, 28039895). This variant is present in population databases (no rsID available, gnomAD 0.06%). This variant has not been reported in the literature in individuals affected with TJP2-related conditions. ClinVar contains an entry for this variant (Variation ID: 2982875). For these reasons, this variant has been classified as Pathogenic.

Literature cited by the submitters: PubMed 24614073; PubMed 25921221; PubMed 28039895.